The following is an entry in ClinVar:

NM_173483.4(CYP4F22):c.770G>A (p.Arg257His)

Gene: CYP4F22 (cytochrome P450 family 4 subfamily F member 22; plus strand). Cytogenetic location: 19p13.12.
Variant type: single nucleotide variant.
Coding change: c.770G>A on transcript NM_173483.4 (MANE Select); coding-DNA position 770, G replaced by A.
Protein change: p.Arg257His; replaces arginine 257 with histidine.
Molecular consequence: missense variant.
Genome position (GRCh38, 1-based): chr19:15,540,548, G>A. VCF-style: chr19-15540548-G-A. GRCh37 (hg19) VCF-style: chr19-15651359-G-A.
Other names: short protein forms R257H.
Identifiers: ClinVar variation 1985912 (VCV001985912.4), dbSNP rs200005567, ClinGen allele CA9269697.

ClinVar aggregate classification (germline): Uncertain significance (1 of 4 stars; one submission).

Allele frequency attached by ClinVar (database versions not stated): gnomAD 0.00003; ESP Exome Variant Server 0.00008.
gnomAD v4.1: 59 of 1,614,018 alleles (0.0037%); highest among the groups gnomAD compares: African/African-American, 0.0053%; no homozygotes.

Submission:

Labcorp Genetics (formerly Invitae), Labcorp
Classification: Uncertain significance. Last evaluated: 2022-09-29. Review status: criteria provided, single submitter. Criteria: Invitae Variant Classification Sherloc (09022015). Collection method: clinical testing. Allele origin: germline.
Comment: In summary, the available evidence is currently insufficient to determine the role of this variant in disease. Therefore, it has been classified as a Variant of Uncertain Significance. Advanced modeling of protein sequence and biophysical properties (such as structural, functional, and spatial information, amino acid conservation, physicochemical variation, residue mobility, and thermodynamic stability) performed at Invitae indicates that this missense variant is not expected to disrupt CYP4F22 protein function. This variant has not been reported in the literature in individuals affected with CYP4F22-related conditions. This variant is present in population databases (rs200005567, gnomAD 0.01%). This sequence change replaces arginine, which is basic and polar, with histidine, which is basic and polar, at codon 257 of the CYP4F22 protein (p.Arg257His).